The following is an entry in ClinVar:

ClinVar aggregate classification (germline): Conflicting classifications of pathogenicity. Review status: criteria provided, conflicting classifications (1 of 4 stars). 9 submissions from 9 submitters: Uncertain significance (1); Benign (1); Likely benign (6). 1 of the submissions does not count toward it. Last evaluated 2026-02-01.

Conditions:
Inborn genetic diseases. Identifiers: MedGen C0950123, MeSH D030342.
BCKDHA-related disorder. Also called: BCKDHA-related condition.
Maple syrup urine disease (MSUD). Identifiers: Orphanet 511, MedGen C0024776, MeSH D008375, MONDO:0009563. Disease mechanism: loss of function.

Allele frequency attached by ClinVar (database versions not stated): 1000 Genomes Project 0.00020; 1000 Genomes Project 30x 0.00031; ESP Exome Variant Server 0.00046; TOPMed 0.00048; ExAC 0.00050; gnomAD exomes 0.00050; gnomAD 0.00062.
gnomAD v4.1: 803 of 1,614,124 alleles (0.05%); highest among the groups gnomAD compares: Non-Finnish European, 0.056%; no homozygotes.

Submissions (9):

Labcorp Genetics (formerly Invitae), Labcorp
Classification: Likely benign for Maple syrup urine disease. Last evaluated: 2026-02-01. Review status: criteria provided, single submitter. Criteria: Invitae Variant Classification Sherloc (09022015). Collection method: clinical testing. Allele origin: germline.

Laboratory of Genetics, Children's Clinical University Hospital Latvia
Classification: Benign. Last evaluated: 2025-02-16. Review status: criteria provided, single submitter. Criteria: ACMG Guidelines, 2015. Collection method: clinical testing. Allele origin: germline. Affected: yes.

Blueprint Genetics
Classification: Likely benign. Last evaluated: 2024-11-25. Review status: criteria provided, single submitter. Criteria: ACMG Guidelines, 2015. Collection method: clinical testing. Allele origin: germline.

CeGaT Center for Human Genetics Tuebingen
Classification: Likely benign. Last evaluated: 2024-06-01. Review status: criteria provided, single submitter. Criteria: CeGaT Center For Human Genetics Tuebingen Variant Classification Criteria Version 2. Collection method: clinical testing. Allele origin: germline. Affected: yes. Observed: 1 variant allele.
Comment: BCKDHA: BP4, BP7

Ambry Genetics
Classification: Likely benign for Inborn genetic diseases. Last evaluated: 2023-10-25. Review status: criteria provided, single submitter. Criteria: Ambry Variant Classification Scheme 2023. Collection method: clinical testing. Allele origin: germline.

Genome-Nilou Lab
Classification: Likely benign for Maple syrup urine disease type 1A. Last evaluated: 2021-11-07. Review status: criteria provided, single submitter. Criteria: ACMG Guidelines, 2015. Collection method: clinical testing. Allele origin: germline. Affected: no.

GeneDx
Classification: Likely benign. Last evaluated: 2019-01-10. Review status: criteria provided, single submitter. Criteria: GeneDx Variant Classification Process June 2021. Collection method: clinical testing. Allele origin: germline. Affected: yes.

Illumina Laboratory Services, Illumina
Classification: Uncertain significance for Maple syrup urine disease type 1A. Last evaluated: 2018-01-12. Review status: criteria provided, single submitter. Criteria: ICSL Variant Classification Criteria 13 December 2019. Collection method: clinical testing. Allele origin: germline.

PreventionGenetics, part of Exact Sciences
Classification: Likely benign for BCKDHA-related condition. Last evaluated: 2024-07-05. Review status: no assertion criteria provided. Collection method: clinical testing. Allele origin: germline. Not counted in ClinVar's aggregate classification.
Comment: This variant is classified as likely benign based on ACMG/AMP sequence variant interpretation guidelines (Richards et al. 2015 PMID: 25741868, with internal and published modifications).

NM_000709.4(BCKDHA):c.1191C>T (p.Ala397=)

Gene: BCKDHA (branched chain keto acid dehydrogenase E1 subunit alpha; plus strand). Cytogenetic location: 19q13.2.
Variant type: single nucleotide variant.
Coding change: c.1191C>T on transcript NM_000709.4 (MANE Select); coding-DNA position 1191, C replaced by T.
Protein change: p.Ala397=; no amino-acid change (alanine 397 retained).
Molecular consequence: synonymous variant.
Genome position (GRCh38, 1-based): chr19:41,424,461, C>T. VCF-style: chr19-41424461-C-T. GRCh37 (hg19) VCF-style: chr19-41930366-C-T.
Other names: c.1188C>T, p.Ala396= (NM_001164783.2).
Identifiers: ClinVar variation 329367 (VCV000329367.40), dbSNP rs374403946, ClinGen allele CA9461400.